The following is an entry in ClinVar:

NM_001124758.3(SPNS2):c.1362G>A (p.Thr454=)

Gene: SPNS2 (SPNS lysolipid transporter 2, sphingosine-1-phosphate; plus strand). Cytogenetic location: 17p13.2.
Variant type: single nucleotide variant.
Coding change: c.1362G>A on transcript NM_001124758.3 (MANE Select); coding-DNA position 1362, G replaced by A.
Protein change: p.Thr454=; no amino-acid change (threonine 454 retained).
Molecular consequence: synonymous variant.
Genome position (GRCh38, 1-based): chr17:4,536,093, G>A. VCF-style: chr17-4536093-G-A. GRCh37 (hg19) VCF-style: chr17-4439388-G-A.
Identifiers: ClinVar variation 3036800 (VCV003036800.2), dbSNP rs376977615, ClinGen allele CA8303346.
Genomic context (GRCh38, chr17:4,536,093, plus strand): 5'-AGCCTTTCTCCTCTGGCCGCTGACCTGCCCGCCTGTTCCGCAGTACGTGGTCATCCCCAC[G>A]CGGCGCGCCACTGCCGTGGCCTTGCAGAGCTTCACCTCCCACCTGCTGGGGGACGCCGGG-3'
Protein context (NP_001118230.1, residues 444-464): ADILMYVVIP[Thr454=]RRATAVALQS

ClinVar aggregate classification (germline): Likely benign (0 of 4 stars; one submission).

Conditions:
SPNS2-related disorder. Also called: SPNS2-related condition.

Allele frequency attached by ClinVar (database versions not stated): ExAC 0.00002; ESP Exome Variant Server 0.00010.
gnomAD v4.1: 16 of 1,611,832 alleles (0.00099%); highest among the groups gnomAD compares: Admixed American, 0.005%; no homozygotes.

Submission:

PreventionGenetics, part of Exact Sciences
Classification: Likely benign for SPNS2-related condition. Last evaluated: 2024-01-11. Review status: no assertion criteria provided. Collection method: clinical testing. Allele origin: germline.
Comment: This variant is classified as likely benign based on ACMG/AMP sequence variant interpretation guidelines (Richards et al. 2015 PMID: 25741868, with internal and published modifications).